The following is an entry in ClinVar:

ClinVar aggregate classification (germline): Likely benign. Review status: criteria provided, multiple submitters, no conflicts (2 of 4 stars). 2 submissions from 2 submitters: Likely benign (2). Last evaluated 2025-11-13.

Conditions:
Dilated cardiomyopathy 1G (CMD1G). Identifiers: Orphanet 154, MedGen C1858763, MONDO:0011400, OMIM 604145.
Autosomal recessive limb-girdle muscular dystrophy type 2J (LGMDR10). Also called: MUSCULAR DYSTROPHY, LIMB-GIRDLE, AUTOSOMAL RECESSIVE 10; Limb-girdle muscular dystrophy, type 2J. Identifiers: Orphanet 140922, MedGen C1837342, MONDO:0012127, OMIM 608807.

Allele frequency attached by ClinVar (database versions not stated): gnomAD exomes below 0.00001 and 0.00001; gnomAD 0.00001; TOPMed 0.00001.
gnomAD v4.1: 4 of 1,613,118 alleles (0.00025%); highest among the groups gnomAD compares: Middle Eastern, 0.016%; no homozygotes.

Submissions (2):

Labcorp Genetics (formerly Invitae), Labcorp
Classification: Likely benign for Dilated cardiomyopathy 1G; Autosomal recessive limb-girdle muscular dystrophy type 2J. Last evaluated: 2025-11-13. Review status: criteria provided, single submitter. Criteria: Invitae Variant Classification Sherloc (09022015). Collection method: clinical testing. Allele origin: germline.

CeGaT Center for Human Genetics Tuebingen
Classification: Likely benign. Last evaluated: 2022-03-01. Review status: criteria provided, single submitter. Criteria: CeGaT Center For Human Genetics Tuebingen Variant Classification Criteria Version 2. Collection method: clinical testing. Allele origin: germline. Affected: yes. Observed: 1 variant allele.
Comment: TTN: BP4, BP7

NM_001267550.2(TTN):c.12804T>G (p.Ala4268=)

Gene: TTN (titin; minus strand). Cytogenetic location: 2q31.2.
Variant type: single nucleotide variant.
Coding change: c.12804T>G on transcript NM_001267550.2 (MANE Select); coding-DNA position 12804, T replaced by G.
Protein change: p.Ala4268=; no amino-acid change (alanine 4268 retained).
Molecular consequence: synonymous variant. On other transcripts: intron variant (1).
Genome position (GRCh38, 1-based): chr2:178,740,429, A>C on the plus strand (T>G on the coding strand, the complement: TTN is on the minus strand). VCF-style: chr2-178740429-A-C. GRCh37 (hg19) VCF-style: chr2-179605156-A-C.
Other names: c.11853T>G, p.Ala3951= (NM_001256850.1); c.11715T>G, p.Ala3905= (NM_003319.4); c.12090T>G, p.Ala4030= (NM_133432.3); c.12291T>G, p.Ala4097= (NM_133437.4); c.10361-2069T>G (NM_133378.4).
Identifiers: ClinVar variation 1134766 (VCV001134766.40), dbSNP rs796413220, ClinGen allele CA60984050.